The following is an entry in ClinVar:

NM_000702.4(ATP1A2):c.1725T>C (p.Phe575=)

Gene: ATP1A2 (ATPase Na+/K+ transporting subunit alpha 2; plus strand). Cytogenetic location: 1q23.2.
Variant type: single nucleotide variant.
Coding change: c.1725T>C on transcript NM_000702.4 (MANE Select); coding-DNA position 1725, T replaced by C.
Protein change: p.Phe575=; no amino-acid change (phenylalanine 575 retained).
Molecular consequence: synonymous variant.
Genome position (GRCh38, 1-based): chr1:160,130,495, T>C. VCF-style: chr1-160130495-T-C. GRCh37 (hg19) VCF-style: chr1-160100285-T-C.
Other names: p.Phe575=.
Identifiers: ClinVar variation 2040275 (VCV002040275.6), dbSNP rs751829474, ClinGen allele CA1194569.
Genomic context (GRCh38, chr1:160,130,495, plus strand): 5'-GAATCTGCCATCTGGAAAGTTTCCTCGGGGCTTCAAATTCGACACGGATGAGCTGAACTT[T>C]CCCACGGAGAAGCTTTGCTTTGTGGGGCTCATGTCTATGATTGACCCTCCCCGGGCTGCT-3'
Protein context (NP_000693.1, residues 565-585): GFKFDTDELN[Phe575=]PTEKLCFVGL

ClinVar aggregate classification (germline): Likely benign. Review status: criteria provided, multiple submitters, no conflicts (2 of 4 stars). 3 submissions from 3 submitters: Likely benign (3). Last evaluated 2025-12-19.

Conditions:
Familial hemiplegic migraine. Identifiers: MedGen C0338484, MONDO:0000700.

Allele frequency attached by ClinVar (database versions not stated): ExAC 0.00002; gnomAD 0.00003; TOPMed 0.00003; gnomAD exomes 0.00004.
gnomAD v4.1: 27 of 1,614,206 alleles (0.0017%); highest among the groups gnomAD compares: East Asian, 0.045%; no homozygotes.

Submissions (3):

Labcorp Genetics (formerly Invitae), Labcorp
Classification: Likely benign for Familial hemiplegic migraine. Last evaluated: 2025-12-19. Review status: criteria provided, single submitter. Criteria: Invitae Variant Classification Sherloc (09022015). Collection method: clinical testing. Allele origin: germline.

Mayo Clinic Laboratories, Mayo Clinic
Classification: Likely benign. Last evaluated: 2025-07-30. Review status: criteria provided, single submitter. Criteria: ACMG Guidelines, 2015. Collection method: clinical testing. Allele origin: germline. Observed: 1 variant allele.
Comment: BP4, BP7

Blueprint Genetics
Classification: Likely benign. Last evaluated: 2023-09-19. Review status: criteria provided, single submitter. Criteria: ACMG Guidelines, 2015. Collection method: clinical testing. Allele origin: germline.